The following is an entry in ClinVar:

ClinVar aggregate classification (germline): Benign/Likely benign. Review status: criteria provided, multiple submitters, no conflicts (2 of 4 stars). 5 submissions from 5 submitters: Benign (1); Likely benign (3). 1 of the submissions does not count toward it. Last evaluated 2024-09-09.

Conditions:
TECTA-related disorder. Also called: TECTA-related condition.

Allele frequency attached by ClinVar (database versions not stated): gnomAD exomes 0.00011; ExAC 0.00013; gnomAD 0.00022; ESP Exome Variant Server 0.00023; TOPMed 0.00027; 1000 Genomes Project 30x 0.00031; 1000 Genomes Project 0.00040.
gnomAD v4.1: 96 of 1,607,366 alleles (0.006%); highest among the groups gnomAD compares: African/African-American, 0.08%; no homozygotes.

Submissions (5):

Blueprint Genetics
Classification: Likely benign. Last evaluated: 2024-09-09. Review status: criteria provided, single submitter. Criteria: ACMG Guidelines, 2015. Collection method: clinical testing. Allele origin: germline.

Labcorp Genetics (formerly Invitae), Labcorp
Classification: Benign. Last evaluated: 2023-10-03. Review status: criteria provided, single submitter. Criteria: Invitae Variant Classification Sherloc (09022015). Collection method: clinical testing. Allele origin: germline.

GeneDx
Classification: Likely benign. Last evaluated: 2021-04-23. Review status: criteria provided, single submitter. Criteria: GeneDx Variant Classification Process June 2021. Collection method: clinical testing. Allele origin: germline. Affected: yes.

Laboratory for Molecular Medicine, Mass General Brigham Personalized Medicine
Classification: Likely benign. Last evaluated: 2012-04-30. Review status: criteria provided, single submitter. Criteria: LMM Criteria. Collection method: clinical testing. Allele origin: germline. Observed: 1 variant allele.
Comment: Ser962Ser in Exon 09 of TECTA: This variant is not expected to have clinical sig nificance because it does not alter an amino acid residue, is not located within the splice consensus sequence, and has been identified in 0.1% (2/3738) of Afri can American chromosomes from a broad population by the NHLBI Exome Sequencing P roject (dbSNP rs138065050).

PreventionGenetics, part of Exact Sciences
Classification: Likely benign for TECTA-related condition. Last evaluated: 2019-04-04. Review status: no assertion criteria provided. Collection method: clinical testing. Allele origin: germline. Not counted in ClinVar's aggregate classification.
Comment: This variant is classified as likely benign based on ACMG/AMP sequence variant interpretation guidelines (Richards et al. 2015 PMID: 25741868, with internal and published modifications).

NM_005422.4(TECTA):c.2886C>T (p.Ser962=)

Genes: TBCEL-TECTA (TBCEL-TECTA readthrough; plus strand), TECTA (tectorin alpha; plus strand), LOC126861365 (P300/CBP strongly-dependent group 1 enhancer GRCh37_chr11:121000154-121001353; plus strand). Cytogenetic location: 11q23.3.
Variant type: single nucleotide variant.
Coding change: c.2886C>T on transcript NM_005422.4 (MANE Select); coding-DNA position 2886, C replaced by T.
Protein change: p.Ser962=; no amino-acid change (serine 962 retained).
Molecular consequence: synonymous variant.
Genome position (GRCh38, 1-based): chr11:121,130,156, C>T. VCF-style: chr11-121130156-C-T. GRCh37 (hg19) VCF-style: chr11-121000865-C-T.
Other names: c.3843C>T, p.Ser1281= (NM_001378761.1).
Identifiers: ClinVar variation 667170 (VCV000667170.12), dbSNP rs138065050, ClinGen allele CA6327087.
Genomic context (GRCh38, chr11:121,130,156, plus strand): 5'-CCTGTGCCAGAGTGGGGGCAATGAGTCAGAGCTCTGTGACTCTGTGGCCCGGTATGCAAG[C>T]GCCTGCAAGAATGCGGACGTGGAGGTGGGGCCCTGGCGGACCTATGACTTCTGCCGTAAG-3'
Protein context (NP_005413.2, residues 952-972): ELCDSVARYA[Ser962=]ACKNADVEVG